The following is an entry in ClinVar:

ClinVar aggregate classification (germline): Benign (1 of 4 stars; one submission).

Submission:

GeneDx
Classification: Benign. Last evaluated: 2018-06-14. Review status: criteria provided, single submitter. Criteria: GeneDx Variant Classification (06012015). Collection method: clinical testing. Allele origin: germline. Affected: yes.
Comment: This variant is considered likely benign or benign based on one or more of the following criteria: it is a conservative change, it occurs at a poorly conserved position in the protein, it is predicted to be benign by multiple in silico algorithms, and/or has population frequency not consistent with disease.

NM_007215.4(POLG2):c.1293-295_1293-293del

Genes: MILR1 (mast cell immunoglobulin like receptor 1; plus strand), POLG2 (DNA polymerase gamma 2, accessory subunit; minus strand). Cytogenetic location: 17q23.3.
Variant type: Microsatellite.
Coding change: c.1293-295_1293-293del on transcript NM_007215.4 (MANE Select); 295 bases into the intron before coding-DNA position 1293 through 293 bases into the intron before coding-DNA position 1293, 3 bases deleted (TAT; older notation c.1293-295_1293-293delTAT).
Molecular consequence: intron variant.
Genome position (GRCh38, 1-based): chr17:64,478,281-64,478,283, ATA deleted on the plus strand (TAT on the coding strand, the reverse complement: POLG2 is on the minus strand); deleting any 3 consecutive bases within chr17:64,478,281-64,478,287 gives the same sequence; the c. name uses the placement nearest the transcript's 3' end. VCF-style (leftmost placement, unchanged base first): chr17-64478280-CATA-C. GRCh37 (hg19) VCF-style: chr17-62474397-CATA-C.
Identifiers: ClinVar variation 673231 (VCV000673231.1), dbSNP rs146752666, ClinGen allele CA293002955.